The following is an entry in ClinVar:

ClinVar aggregate classification (germline): Uncertain significance (1 of 4 stars; one submission).

Submission:

Labcorp Genetics (formerly Invitae), Labcorp
Classification: Uncertain significance. Last evaluated: 2025-08-31. Review status: criteria provided, single submitter. Criteria: Invitae Variant Classification Sherloc (09022015). Collection method: clinical testing. Allele origin: germline.
Comment: This sequence change replaces leucine, which is neutral and non-polar, with valine, which is neutral and non-polar, at codon 1074 of the TET2 protein (p.Leu1074Val). This variant is not present in population databases (gnomAD no frequency). This variant has not been reported in the literature in individuals affected with TET2-related conditions. An algorithm developed to predict the effect of missense changes on protein structure and function (PolyPhen-2) suggests that this variant is likely to be tolerated. In summary, the available evidence is currently insufficient to determine the role of this variant in disease. Therefore, it has been classified as a Variant of Uncertain Significance.

NM_001127208.3(TET2):c.3220C>G (p.Leu1074Val)

Genes: TET2 (tet methylcytosine dioxygenase 2; plus strand), TET2-AS1 (TET2 antisense RNA 1; minus strand). Cytogenetic location: 4q24.
Variant type: single nucleotide variant.
Coding change: c.3220C>G on transcript NM_001127208.3 (MANE Select); coding-DNA position 3220, C replaced by G.
Protein change: p.Leu1074Val; replaces leucine 1074 with valine.
Molecular consequence: missense variant.
Genome position (GRCh38, 1-based): chr4:105,237,162, C>G. VCF-style: chr4-105237162-C-G. GRCh37 (hg19) VCF-style: chr4-106158319-C-G.
Other names: c.3220C>G, p.Leu1074Val (NM_017628.4); short protein forms L1074V.
Identifiers: ClinVar variation 4726415 (VCV004726415.1).